The following is an entry in ClinVar:

ClinVar aggregate classification (germline): Likely pathogenic. Review status: criteria provided, single submitter (1 of 4 stars). 2 submissions from 2 submitters: Likely pathogenic (1). 1 of the submissions does not count toward it. Last evaluated 2025-09-22.

Conditions:
Familial cancer of breast. Also called: hereditary breast carcinoma; BREAST CANCER, FAMILIAL; Hereditary breast cancer. Identifiers: Orphanet 227535, MedGen C0346153, MONDO:0016419, OMIM 114480. Disease mechanism: loss of function.

Submissions (3):

Labcorp Genetics (formerly Invitae), Labcorp
Classification: Likely pathogenic for Familial cancer of breast. Last evaluated: 2025-09-22. Review status: criteria provided, single submitter. Criteria: Invitae Variant Classification Sherloc (09022015). Collection method: clinical testing. Allele origin: germline.
Comment: This sequence change affects a donor splice site in intron 5 of the PALB2 gene. It is expected to disrupt RNA splicing. Variants that disrupt the donor or acceptor splice site typically lead to a loss of protein function (PMID: 16199547), and loss-of-function variants in PALB2 are known to be pathogenic (PMID: 17200668, 17200671, 17200672, 24136930, 25099575). This variant is not present in population databases (gnomAD no frequency). Disruption of this splice site has been observed in individual(s) with breast cancer (PMID: 30287823). ClinVar contains an entry for this variant (Variation ID: 635373). Algorithms developed to predict the effect of sequence changes on RNA splicing suggest that this variant may disrupt the consensus splice site. In summary, the currently available evidence indicates that the variant is pathogenic, but additional data are needed to prove that conclusively. Therefore, this variant has been classified as Likely Pathogenic.

Leiden Open Variation Database
Classification: Pathogenic. Last evaluated: 2018-10-10. Review status: no assertion criteria provided. Collection method: curation. Allele origin: germline. Affected: yes. Not counted in ClinVar's aggregate classification.
Comment: Curators: Marc Tischkowitz, Arleen D. Auerbach. Submitter to LOVD: Yukihide Momozawa.

MutSpliceDB: a database of splice sites variants effects on splicing, NIH
No classification provided (evidence only). Review status: no classification provided. Collection method: in vitro. Allele origin: not applicable. Functional consequence: retained intron. Not counted in ClinVar's aggregate classification.

Literature cited by the submitters: PubMed 16199547 (cited by Labcorp Genetics (formerly Invitae), Labcorp); PubMed 17200668 (cited by Labcorp Genetics (formerly Invitae), Labcorp); PubMed 17200671 (cited by Labcorp Genetics (formerly Invitae), Labcorp); PubMed 17200672 (cited by Labcorp Genetics (formerly Invitae), Labcorp); PubMed 24136930 (cited by Labcorp Genetics (formerly Invitae), Labcorp); PubMed 25099575 (cited by Labcorp Genetics (formerly Invitae), Labcorp); PubMed 30287823 (cited by Labcorp Genetics (formerly Invitae), Labcorp and Leiden Open Variation Database).

NM_024675.4(PALB2):c.2514+2T>C

Gene: PALB2 (partner and localizer of BRCA2; minus strand). Cytogenetic location: 16p12.2.
Variant type: single nucleotide variant.
Coding change: c.2514+2T>C on transcript NM_024675.4 (MANE Select); the canonical splice donor site of the intron after coding-DNA position 2514, T replaced by C.
Molecular consequence: splice donor variant. On other transcripts: intron variant (1).
Genome position (GRCh38, 1-based): chr16:23,629,638, A>G on the plus strand (T>C on the coding strand, the complement: PALB2 is on the minus strand). VCF-style: chr16-23629638-A-G. GRCh37 (hg19) VCF-style: chr16-23640959-A-G.
Other names: c.1629+2T>C (NM_001407308.1, NM_001407306.1, NM_001407307.1 and 5 more transcripts); c.49-363T>C (NM_001407314.1); c.726+2T>C (NM_001407313.1, NM_001407312.1); c.2454+2T>C (NM_001407296.1); c.2514+2T>C (NM_001407297.1, NM_001407302.1, NM_001407298.1 and 3 more transcripts).
Identifiers: ClinVar variation 635373 (VCV000635373.6), dbSNP rs1343145658, ClinGen allele CA395123908.